The following is an entry in ClinVar:

ClinVar aggregate classification (germline): Uncertain significance. Review status: criteria provided, multiple submitters, no conflicts (2 of 4 stars). 2 submissions from 2 submitters: Uncertain significance (2). Last evaluated 2026-08-26.

Conditions:
Bethlem myopathy 2 (BTHLM2). Identifiers: Orphanet 536516, Orphanet 610, MedGen C4225313, MONDO:0034022, OMIM 616471.
Ullrich congenital muscular dystrophy 2 (UCMD2). Identifiers: Orphanet 75840, MedGen C4225314, MONDO:0014654, OMIM 616470.

Submissions (2):

Broad Center for Mendelian Genomics, Broad Institute of MIT and Harvard
Classification: Uncertain significance for Bethlem myopathy 2. Last evaluated: 2026-08-26. Review status: criteria provided, single submitter. Criteria: ACMG Guidelines, 2015. Collection method: research. Allele origin: germline. Inheritance: Autosomal dominant inheritance. Study: GREGoR Consortium.
Comment: Trio exome analysis showed this variant to be de novo. The c.6946+6G>A variant in COL12A1 has not been previously reported in the literature in individuals with Bethlem myopathy, and was absent from large population studies. This variant has been reported in ClinVar (Variation ID: 647624) and has been interpreted as a variant of uncertain significance by Labcorp Genetics (previously Invitae). This variant is located in the 5' splice region. Computational tools suggest an impact to splicing. However, this information is not predictive enough to determine pathogenicity. In summary, the clinical significance of the c.6946+5G>A variant is uncertain. ACMG/AMP Criteria applied: PP3, PM2_supporting, PS2_supporting (Richards 2015).

Labcorp Genetics (formerly Invitae), Labcorp
Classification: Uncertain significance for Bethlem myopathy 2; Ullrich congenital muscular dystrophy 2. Last evaluated: 2018-08-08. Review status: criteria provided, single submitter. Criteria: Invitae Variant Classification Sherloc (09022015). Collection method: clinical testing. Allele origin: germline.
Comment: In summary, the available evidence is currently insufficient to determine the role of this variant in disease. Therefore, it has been classified as a Variant of Uncertain Significance. Nucleotide substitutions within the consensus splice site are a relatively common cause of aberrant splicing (PMID: 17576681, 9536098). Algorithms developed to predict the effect of sequence changes on RNA splicing suggest that this variant may disrupt the consensus splice site, but this prediction has not been confirmed by published transcriptional studies. This sequence change falls in intron 43 of the COL12A1 gene. It does not directly change the encoded amino acid sequence of the COL12A1 protein, but it affects a nucleotide within the consensus splice site of the intron. This variant is not present in population databases (ExAC no frequency). This variant has not been reported in the literature in individuals with COL12A1-related disease.

Literature cited by the submitters: PubMed 17576681 (cited by Labcorp Genetics (formerly Invitae), Labcorp); PubMed 9536098 (cited by Labcorp Genetics (formerly Invitae), Labcorp).

NM_004370.6(COL12A1):c.6946+5G>A

Gene: COL12A1 (collagen type XII alpha 1 chain; minus strand). Cytogenetic location: 6q13.
Variant type: single nucleotide variant.
Coding change: c.6946+5G>A on transcript NM_004370.6 (MANE Select); 5 bases into the intron after coding-DNA position 6946, G replaced by A.
Molecular consequence: intron variant.
Genome position (GRCh38, 1-based): chr6:75,123,325, C>T on the plus strand (G>A on the coding strand, the complement: COL12A1 is on the minus strand). VCF-style: chr6-75123325-C-T. GRCh37 (hg19) VCF-style: chr6-75833041-C-T.
Other names: NM_080645.3:c.3454+5G>A; c.3454+5G>A (NM_080645.3).
Identifiers: ClinVar variation 647624 (VCV000647624.8), dbSNP rs1582086058, ClinGen allele CA915944342.